The following is an entry in ClinVar:

ClinVar aggregate classification (germline): Conflicting classifications of pathogenicity. Review status: criteria provided, conflicting classifications (1 of 4 stars). 5 submissions from 5 submitters: Uncertain significance (2); Benign (1); Likely benign (2). Last evaluated 2025-12-03.

Conditions:
Brugada syndrome. Also called: Sudden unexplained nocturnal death syndrome; Sudden Unexplained Death Syndrome; Sudden Unexplained Nocturnal Death Syndrome (SUNDS); Sudden unexpected nocturnal death syndrome. Identifiers: Orphanet 130, MedGen C1142166, MONDO:0015263.
Cardiovascular phenotype. Identifiers: MedGen CN230736.

Allele frequency attached by ClinVar (database versions not stated): TOPMed 0.00003.
gnomAD v4.1: 42 of 1,614,020 alleles (0.0026%); highest among the groups gnomAD compares: Admixed American, 0.0017%; no homozygotes.

Submissions (5):

Mayo Clinic Laboratories, Mayo Clinic
Classification: Uncertain significance. Last evaluated: 2025-12-03. Review status: criteria provided, single submitter. Criteria: ACMG Guidelines, 2015. Collection method: clinical testing. Allele origin: germline. Observed: 1 variant allele.
Comment: BS2

Labcorp Genetics (formerly Invitae), Labcorp
Classification: Likely benign for Brugada syndrome. Last evaluated: 2025-03-23. Review status: criteria provided, single submitter. Criteria: Invitae Variant Classification Sherloc (09022015). Collection method: clinical testing. Allele origin: germline.

GeneDx
Classification: Uncertain significance. Last evaluated: 2025-02-21. Review status: criteria provided, single submitter. Criteria: GeneDx Variant Classification Process June 2021. Collection method: clinical testing. Allele origin: germline. Affected: yes.
Comment: In silico analysis supports that this missense variant has a deleterious effect on protein structure/function; Has not been previously published as pathogenic or benign to our knowledge

CeGaT Center for Human Genetics Tuebingen
Classification: Benign. Last evaluated: 2023-10-01. Review status: criteria provided, single submitter. Criteria: CeGaT Center For Human Genetics Tuebingen Variant Classification Criteria Version 2. Collection method: clinical testing. Allele origin: germline. Affected: yes. Observed: 1 variant allele.
Comment: SCN10A: BS1, BS2

Ambry Genetics
Classification: Likely benign for Cardiovascular phenotype. Last evaluated: 2019-07-18. Review status: criteria provided, single submitter. Criteria: Ambry Variant Classification Scheme 2023. Collection method: clinical testing. Allele origin: germline.

NM_006514.4(SCN10A):c.5023C>T (p.Pro1675Ser)

Gene: SCN10A (sodium voltage-gated channel alpha subunit 10; minus strand). Cytogenetic location: 3p22.2.
Variant type: single nucleotide variant.
Coding change: c.5023C>T on transcript NM_006514.4 (MANE Select); coding-DNA position 5023, C replaced by T.
Protein change: p.Pro1675Ser; replaces proline 1675 with serine.
Molecular consequence: missense variant.
Genome position (GRCh38, 1-based): chr3:38,698,197, G>A on the plus strand (C>T on the coding strand, the complement: SCN10A is on the minus strand). VCF-style: chr3-38698197-G-A. GRCh37 (hg19) VCF-style: chr3-38739688-G-A.
Other names: p.Pro1675Ser; c.5020C>T, p.Pro1674Ser (NM_001293306.2); c.4729C>T, p.Pro1577Ser (NM_001293307.2); c.5023C>T (NM_006514.3); short protein forms P1577S, P1674S, P1675S.
Identifiers: ClinVar variation 1146766 (VCV001146766.34), dbSNP rs758877832, ClinGen allele CA2319755.